The following is an entry in ClinVar:

ClinVar aggregate classification (germline): Uncertain significance (1 of 4 stars; one submission).

Conditions:
Emery-Dreifuss muscular dystrophy 4, autosomal dominant (EDMD4). Also called: EMERY-DREIFUSS MUSCULAR DYSTROPHY 4 WITH VARIABLE FEATURES. Identifiers: Orphanet 261, MedGen C2751807, MONDO:0013071, OMIM 612998.
Autosomal recessive ataxia, Beauce type. Also called: SYNE1-Related Autosomal Recessive Cerebellar Ataxia; SYNE1 Deficiency; Spinocerebellar ataxia, autosomal recessive 8; ATAXIA, RECESSIVE, OF BEAUCE. Identifiers: Orphanet 88644, MedGen C1853116, MONDO:0012549, OMIM 610743.

Allele frequency attached by ClinVar (database versions not stated): TOPMed below 0.00001; ExAC 0.00001; gnomAD exomes 0.00001.
gnomAD v4.1: 8 of 1,613,530 alleles (0.0005%); highest among the groups gnomAD compares: Admixed American, 0.0083%; no homozygotes.

Submission:

Labcorp Genetics (formerly Invitae), Labcorp
Classification: Uncertain significance for Emery-Dreifuss muscular dystrophy 4, autosomal dominant; Autosomal recessive ataxia, Beauce type. Last evaluated: 2023-02-17. Review status: criteria provided, single submitter. Criteria: Invitae Variant Classification Sherloc (09022015). Collection method: clinical testing. Allele origin: germline.
Comment: This sequence change replaces proline, which is neutral and non-polar, with serine, which is neutral and polar, at codon 6204 of the SYNE1 protein (p.Pro6204Ser). This variant is present in population databases (rs764155010, gnomAD 0.01%). This variant has not been reported in the literature in individuals affected with SYNE1-related conditions. An algorithm developed to predict the effect of missense changes on protein structure and function (PolyPhen-2) suggests that this variant¬† is likely to be tolerated. Algorithms developed to predict the effect of sequence changes on RNA splicing suggest that this variant may disrupt the consensus splice site. In summary, the available evidence is currently insufficient to determine the role of this variant in disease. Therefore, it has been classified as a Variant of Uncertain Significance.

NM_182961.4(SYNE1):c.18823C>T (p.Pro6275Ser)

Gene: SYNE1 (spectrin repeat containing nuclear envelope protein 1; minus strand). Cytogenetic location: 6q25.2.
Variant type: single nucleotide variant.
Coding change: c.18823C>T on transcript NM_182961.4 (MANE Select); coding-DNA position 18823, C replaced by T.
Protein change: p.Pro6275Ser; replaces proline 6275 with serine.
Molecular consequence: missense variant.
Genome position (GRCh38, 1-based): chr6:152,262,181, G>A on the plus strand (C>T on the coding strand, the complement: SYNE1 is on the minus strand). VCF-style: chr6-152262181-G-A. GRCh37 (hg19) VCF-style: chr6-152583316-G-A.
Other names: c.18610C>T, p.Pro6204Ser (NM_033071.5); short protein forms P6275S, P6204S.
Identifiers: ClinVar variation 2949517 (VCV002949517.1), dbSNP rs764155010, ClinGen allele CA4054835.